The following is an entry in ClinVar:

ClinVar aggregate classification (germline): Likely benign (1 of 4 stars; one submission).

Allele frequency attached by ClinVar (database versions not stated): 1000 Genomes Project 0.00759; 1000 Genomes Project 30x 0.00828; gnomAD 0.01150 and 0.01159; TOPMed 0.01227.
gnomAD v4.1: 1,774 of 152,266 alleles (1.2%); highest among the groups gnomAD compares: Middle Eastern, 5.1%; 17 homozygotes.

Submission:

GeneDx
Classification: Likely benign. Last evaluated: 2018-06-14. Review status: criteria provided, single submitter. Criteria: GeneDx Variant Classification (06012015). Collection method: clinical testing. Allele origin: germline. Affected: yes.
Comment: This variant is considered likely benign or benign based on one or more of the following criteria: it is a conservative change, it occurs at a poorly conserved position in the protein, it is predicted to be benign by multiple in silico algorithms, and/or has population frequency not consistent with disease.

NM_014844.5(TECPR2):c.480+169A>T

Gene: TECPR2 (tectonin beta-propeller repeat containing 2; plus strand). Cytogenetic location: 14q32.31.
Variant type: single nucleotide variant.
Coding change: c.480+169A>T on transcript NM_014844.5 (MANE Select); 169 bases into the intron after coding-DNA position 480, A replaced by T.
Molecular consequence: intron variant.
Genome position (GRCh38, 1-based): chr14:102,408,788, A>T. VCF-style: chr14-102408788-A-T. GRCh37 (hg19) VCF-style: chr14-102875125-A-T.
Other names: c.480+169A>T (NM_001172631.3).
Identifiers: ClinVar variation 672793 (VCV000672793.1), dbSNP rs117611581, ClinGen allele CA267065887.